The following is an entry in ClinVar:

NM_201384.3(PLEC):c.7928A>G (p.Glu2643Gly)

Gene: PLEC (plectin; minus strand). Cytogenetic location: 8q24.3.
Variant type: single nucleotide variant.
Coding change: c.7928A>G on transcript NM_201384.3 (MANE Select); coding-DNA position 7928, A replaced by G.
Protein change: p.Glu2643Gly; replaces glutamic acid 2643 with glycine.
Molecular consequence: missense variant.
Genome position (GRCh38, 1-based): chr8:143,921,893, T>C on the plus strand (A>G on the coding strand, the complement: PLEC is on the minus strand). VCF-style: chr8-143921893-T-C. GRCh37 (hg19) VCF-style: chr8-144996061-T-C.
Other names: c.8009A>G, p.Glu2670Gly (NM_000445.5); c.7886A>G, p.Glu2629Gly (NM_201378.4); c.7862A>G, p.Glu2621Gly (NM_201379.3); c.8339A>G, p.Glu2780Gly (NM_201380.4); c.7832A>G, p.Glu2611Gly (NM_201381.3); c.7928A>G, p.Glu2643Gly (NM_201382.4); c.7940A>G, p.Glu2647Gly (NM_201383.3); short protein forms E2629G, E2647G, E2670G, E2780G, E2643G, E2611G, E2621G.
Identifiers: ClinVar variation 595721 (VCV000595721.18), dbSNP rs782259091, ClinGen allele CA4925475.

ClinVar aggregate classification (germline): Uncertain significance. Review status: criteria provided, multiple submitters, no conflicts (2 of 4 stars). 5 submissions from 5 submitters: Uncertain significance (4). 1 of the submissions does not count toward it. Last evaluated 2025-11-24.

Conditions:
PLEC-related disorder. Also called: PLEC-related disorders; PLEC-related condition.
Epidermolysis bullosa simplex 5B, with muscular dystrophy (EBS5B). Also called: Epidermolysis bullosa simplex with muscular dystrophy; EPIDERMOLYSIS BULLOSA SIMPLEX AND LIMB-GIRDLE MUSCULAR DYSTROPHY. Identifiers: Orphanet 257, MedGen C2931072, MONDO:0009181, OMIM 226670.
Autosomal recessive limb-girdle muscular dystrophy type 2Q (LGMDR17). Also called: MUSCULAR DYSTROPHY, LIMB-GIRDLE, AUTOSOMAL RECESSIVE 17. Identifiers: Orphanet 254361, MedGen C3150989, MONDO:0013390, OMIM 613723.
Epidermolysis bullosa simplex, Ogna type (EBS5A). Also called: Pidermolysis bullosa simplex 5A, Ogna type; EPIDERMOLYSIS BULLOSA SIMPLEX 5A, OGNA TYPE. Identifiers: Orphanet 79401, MedGen C0432317, MONDO:0007555, OMIM 131950.
Epidermolysis bullosa simplex 5C, with pyloric atresia (EBS5C). Also called: PLEC-Related Epidermolysis Bullosa with Pyloric Atresia; Epidermolysis bullosa simplex with pyloric atresia; PLEC1-Related Epidermolysis Bullosa with Pyloric Atresia. Identifiers: Orphanet 158684, MedGen C2677349, MONDO:0012807, OMIM 612138.
Epidermolysis bullosa simplex with nail dystrophy (EBS5D). Identifiers: MedGen C4225309, MONDO:0014661, OMIM 616487.

Allele frequency attached by ClinVar (database versions not stated): gnomAD 0.00010 and 0.00011; TOPMed 0.00010; gnomAD exomes 0.00013 and 0.00021; ExAC 0.00030.
gnomAD v4.1: 211 of 1,600,638 alleles (0.013%); highest among the groups gnomAD compares: Middle Eastern, 0.05%; no homozygotes.

Submissions (5):

Labcorp Genetics (formerly Invitae), Labcorp
Classification: Uncertain significance for Autosomal recessive limb-girdle muscular dystrophy type 2Q; Epidermolysis bullosa simplex, Ogna type; Epidermolysis bullosa simplex with nail dystrophy; Epidermolysis bullosa simplex 5C, with pyloric atresia; Epidermolysis bullosa simplex 5B, with muscular dystrophy. Last evaluated: 2025-11-24. Review status: criteria provided, single submitter. Criteria: Invitae Variant Classification Sherloc (09022015). Collection method: clinical testing. Allele origin: germline.
Comment: This sequence change replaces glutamic acid, which is acidic and polar, with glycine, which is neutral and non-polar, at codon 2670 of the PLEC protein (p.Glu2670Gly). This variant is present in population databases (rs782259091, gnomAD 0.04%). This missense change has been observed in individual(s) with limb-girdle muscular dystrophy (PMID: 32576226). This variant is also known as c.7928A>G (p.Glu2643Gly). ClinVar contains an entry for this variant (Variation ID: 595721). Invitae Evidence Modeling of protein sequence and biophysical properties (such as structural, functional, and spatial information, amino acid conservation, physicochemical variation, residue mobility, and thermodynamic stability) indicates that this missense variant is not expected to disrupt PLEC protein function with a negative predictive value of 80%. In summary, the available evidence is currently insufficient to determine the role of this variant in disease. Therefore, it has been classified as a Variant of Uncertain Significance.

Blueprint Genetics
Classification: Uncertain significance. Last evaluated: 2024-10-22. Review status: criteria provided, single submitter. Criteria: ACMG Guidelines, 2015. Collection method: clinical testing. Allele origin: germline.

Revvity Omics, Revvity
Classification: Uncertain significance. Last evaluated: 2019-08-05. Review status: criteria provided, single submitter. Criteria: ACMG Guidelines, 2015. Collection method: clinical testing. Allele origin: germline.

Eurofins Ntd Llc (ga)
Classification: Uncertain significance. Last evaluated: 2018-01-11. Review status: criteria provided, single submitter. Criteria: EGL Classification Definitions 2015. Collection method: clinical testing. Allele origin: germline. Observed: 1 variant allele, 1 heterozygote.

PreventionGenetics, part of Exact Sciences
Classification: Uncertain significance for PLEC-related condition. Last evaluated: 2024-01-08. Review status: no assertion criteria provided. Collection method: clinical testing. Allele origin: germline. Not counted in ClinVar's aggregate classification.
Comment: The PLEC c.8009A>G variant is predicted to result in the amino acid substitution p.Glu2670Gly. This variant along with a second variant in this gene was reported as uncertain in one individual with Limb-girdle muscular dystrophy (reported as p.Glu2643Gly in Table 1 Liang. 2020. PubMed ID: 32576226). This variant is reported in 0.037% of alleles in individuals of European (Non-Finnish) descent in gnomAD). At this time, the clinical significance of this variant is uncertain due to the absence of conclusive functional and genetic evidence.

Literature cited by the submitters: PubMed 32576226 (cited by Labcorp Genetics (formerly Invitae), Labcorp).